The following is an entry in ClinVar:

NM_005051.3(QARS1):c.1758+1G>C

Gene: QARS1 (glutaminyl-tRNA synthetase 1; minus strand). Cytogenetic location: 3p21.31.
Variant type: single nucleotide variant.
Coding change: c.1758+1G>C on transcript NM_005051.3 (MANE Select); the canonical splice donor site of the intron after coding-DNA position 1758, G replaced by C.
Molecular consequence: splice donor variant.
Genome position (GRCh38, 1-based): chr3:49,099,109, C>G on the plus strand (G>C on the coding strand, the complement: QARS1 is on the minus strand). VCF-style: chr3-49099109-C-G. GRCh37 (hg19) VCF-style: chr3-49136542-C-G.
Other names: c.1725+1G>C (NM_001272073.2).
Identifiers: ClinVar variation 4731925 (VCV004731925.1).
Genomic context (GRCh38, chr3:49,099,109, plus strand): 5'-AGAGCCAAGTGTACCCCCAGCTACACACACACATGTGACACACATGTTGAGGCAGGCCCA[C>G]CTTGGCAGCAGGAAAGTTGGTGATGATGACCCGTAGTGACTCCAGCACAGCCATGGCTCG-3'

ClinVar aggregate classification (germline): Likely pathogenic (1 of 4 stars; one submission).

Conditions:
Diffuse cerebral and cerebellar atrophy - intractable seizures - progressive microcephaly syndrome. Also called: Microcephaly, progressive, with seizures and cerebral and cerebellar atrophy. Identifiers: Orphanet 404437, MedGen C4014239, MONDO:0014335, OMIM 615760.

Submission:

Labcorp Genetics (formerly Invitae), Labcorp
Classification: Likely pathogenic for Diffuse cerebral and cerebellar atrophy - intractable seizures - progressive microcephaly syndrome. Last evaluated: 2025-11-25. Review status: criteria provided, single submitter. Criteria: Invitae Variant Classification Sherloc (09022015). Collection method: clinical testing. Allele origin: germline.
Comment: This sequence change affects a donor splice site in intron 18 of the QARS gene. It is expected to disrupt RNA splicing. Variants that disrupt the donor or acceptor splice site typically lead to a loss of protein function (PMID: 16199547), and loss-of-function variants in QARS are known to be pathogenic (PMID: 24656866, 25471517). This variant is not present in population databases (gnomAD no frequency). This variant has not been reported in the literature in individuals affected with QARS-related conditions. Algorithms developed to predict the effect of sequence changes on RNA splicing suggest that this variant may disrupt the consensus splice site. In summary, the currently available evidence indicates that the variant is pathogenic, but additional data are needed to prove that conclusively. Therefore, this variant has been classified as Likely Pathogenic.

Literature cited by the submitters: PubMed 16199547; PubMed 24656866; PubMed 25471517.